The following is an entry in ClinVar:

ClinVar aggregate classification (germline): Uncertain significance (1 of 4 stars; one submission).

Allele frequency attached by ClinVar (database versions not stated): TOPMed below 0.00001.

Submission:

Labcorp Genetics (formerly Invitae), Labcorp
Classification: Uncertain significance. Last evaluated: 2020-02-22. Review status: criteria provided, single submitter. Criteria: Invitae Variant Classification Sherloc (09022015). Collection method: clinical testing. Allele origin: germline.
Comment: In summary, the available evidence is currently insufficient to determine the role of this variant in disease. Therefore, it has been classified as a Variant of Uncertain Significance. Algorithms developed to predict the effect of missense changes on protein structure and function output the following: SIFT: "Tolerated"; PolyPhen-2: "Benign"; Align-GVGD: "Class C0". The threonine amino acid residue is found in multiple mammalian species, suggesting that this missense change does not adversely affect protein function. These predictions have not been confirmed by published functional studies and their clinical significance is uncertain. This variant has not been reported in the literature in individuals with DMP1-related conditions. This variant is not present in population databases (ExAC no frequency). This sequence change replaces isoleucine with threonine at codon 144 of the DMP1 protein (p.Ile144Thr). The isoleucine residue is weakly conserved and there is a moderate physicochemical difference between isoleucine and threonine.

NM_004407.4(DMP1):c.431T>C (p.Ile144Thr)

Genes: DMP1 (dentin matrix acidic phosphoprotein 1; plus strand), DMP1-AS1 (DMP1 and DSPP antisense RNA 1; minus strand). Cytogenetic location: 4q22.1.
Variant type: single nucleotide variant.
Coding change: c.431T>C on transcript NM_004407.4 (MANE Select); coding-DNA position 431, T replaced by C.
Protein change: p.Ile144Thr; replaces isoleucine 144 with threonine.
Molecular consequence: missense variant.
Genome position (GRCh38, 1-based): chr4:87,662,209, T>C. VCF-style: chr4-87662209-T-C. GRCh37 (hg19) VCF-style: chr4-88583361-T-C.
Other names: c.383T>C, p.Ile128Thr (NM_001079911.3); short protein forms I128T, I144T.
Identifiers: ClinVar variation 1054075 (VCV001054075.9), dbSNP rs760012328, ClinGen allele CA357698937.
Genomic context (GRCh38, chr4:87,662,209, plus strand): 5'-AAGACAGACAAGAAGGAGGAAACTCCAGACTGGGAAGTGATGAGGACTCTGATGACACCA[T>C]ACAAGCCAGTGAAGAGAGTGCCCCACAAGGGCAAGACAGTGCCCAAGATACCACCAGTGA-3'
Protein context (NP_004398.1, residues 134-154): LGSDEDSDDT[Ile144Thr]QASEESAPQG